The following is an entry in ClinVar:

ClinVar aggregate classification (germline): Uncertain significance. Review status: criteria provided, multiple submitters, no conflicts (2 of 4 stars). 3 submissions from 3 submitters: Uncertain significance (2). 1 of the submissions does not count toward it. Last evaluated 2024-04-06.

Conditions:
Brugada syndrome 4 (BRGDA4). Identifiers: Orphanet 130, MedGen C2678477, MONDO:0012743, OMIM 611876.
Brugada syndrome. Also called: Sudden unexplained nocturnal death syndrome; Sudden Unexplained Death Syndrome; Sudden Unexplained Nocturnal Death Syndrome (SUNDS); Sudden unexpected nocturnal death syndrome. Identifiers: Orphanet 130, MedGen C1142166, MONDO:0015263.
Cardiovascular phenotype. Identifiers: MedGen CN230736.

Allele frequency attached by ClinVar (database versions not stated): gnomAD exomes 0.00001 and 0.00003; TOPMed 0.00002; ExAC 0.00003; gnomAD 0.00004 and 0.00005.
gnomAD v4.1: 20 of 1,613,944 alleles (0.0012%); highest among the groups gnomAD compares: East Asian, 0.0045%; no homozygotes.

Submissions (3):

Labcorp Genetics (formerly Invitae), Labcorp
Classification: Uncertain significance for Brugada syndrome 4. Last evaluated: 2024-04-06. Review status: criteria provided, single submitter. Criteria: Invitae Variant Classification Sherloc (09022015). Collection method: clinical testing. Allele origin: germline.
Comment: This sequence change replaces arginine, which is basic and polar, with histidine, which is basic and polar, at codon 424 of the CACNB2 protein (p.Arg424His). This variant is present in population databases (rs781646326, gnomAD 0.01%). This variant has not been reported in the literature in individuals affected with CACNB2-related conditions. ClinVar contains an entry for this variant (Variation ID: 560634). Advanced modeling of protein sequence and biophysical properties (such as structural, functional, and spatial information, amino acid conservation, physicochemical variation, residue mobility, and thermodynamic stability) performed at Invitae indicates that this missense variant is not expected to disrupt CACNB2 protein function with a negative predictive value of 80%. In summary, the available evidence is currently insufficient to determine the role of this variant in disease. Therefore, it has been classified as a Variant of Uncertain Significance.

Ambry Genetics
Classification: Uncertain significance for Cardiovascular phenotype. Last evaluated: 2023-03-06. Review status: criteria provided, single submitter. Criteria: Ambry Variant Classification Scheme 2023. Collection method: clinical testing. Allele origin: germline.
Comment: The p.R424H variant (also known as c.1271G>A), located in coding exon 12 of the CACNB2 gene, results from a G to A substitution at nucleotide position 1271. The arginine at codon 424 is replaced by histidine, an amino acid with highly similar properties. This amino acid position is highly conserved in available vertebrate species. In addition, the in silico prediction for this alteration is inconclusive. The evidence for this gene-disease relationship is limited; therefore, the clinical significance of this alteration is unclear.

Clinical Molecular Genetics Laboratory, Johns Hopkins All Children's Hospital
Classification: Uncertain significance for Brugada syndrome. Last evaluated: 2017-06-28. Review status: no assertion criteria provided. Collection method: clinical testing. Allele origin: germline. Affected: yes. Not counted in ClinVar's aggregate classification.

NM_201596.3(CACNB2):c.1433G>A (p.Arg478His)

Gene: CACNB2 (calcium voltage-gated channel auxiliary subunit beta 2; plus strand). Cytogenetic location: 10p12.31.
Variant type: single nucleotide variant.
Coding change: c.1433G>A on transcript NM_201596.3 (MANE Select); coding-DNA position 1433, G replaced by A.
Protein change: p.Arg478His; replaces arginine 478 with histidine.
Molecular consequence: missense variant.
Genome position (GRCh38, 1-based): chr10:18,538,310, G>A. VCF-style: chr10-18538310-G-A. GRCh37 (hg19) VCF-style: chr10-18827239-G-A.
Other names: c.1268G>A, p.Arg423His (NM_000724.4); c.1235G>A, p.Arg412His (NM_001167945.2); c.1154G>A, p.Arg385His (NM_001330060.2); c.1289G>A, p.Arg430His (NM_201570.3); c.1349G>A, p.Arg450His (NM_201571.4); c.1277G>A, p.Arg426His (NM_201572.4); c.1271G>A, p.Arg424His (NM_201590.3); c.1319G>A, p.Arg440His (NM_201593.3); and 1 more; short protein forms R424H, R478H, R412H, R430H, R423H, R426H, R450H, R454H.
Identifiers: ClinVar variation 560634 (VCV000560634.11), dbSNP rs781646326, ClinGen allele CA5430026.